The following is an entry in ClinVar:

ClinVar aggregate classification (germline): Uncertain significance (1 of 4 stars; one submission).

Allele frequency attached by ClinVar (database versions not stated): ExAC 0.00001; gnomAD exomes 0.00001.
gnomAD v4.1: 3 of 1,613,856 alleles (0.00019%); highest among the groups gnomAD compares: Non-Finnish European, 0.00025%; no homozygotes.

Submission:

GeneDx
Classification: Uncertain significance. Last evaluated: 2023-04-03. Review status: criteria provided, single submitter. Criteria: GeneDx Variant Classification Process June 2021. Collection method: clinical testing. Allele origin: germline. Affected: yes.
Comment: Not observed at significant frequency in large population cohorts (gnomAD); In silico analysis supports that this missense variant has a deleterious effect on protein structure/function; Has not been previously published as pathogenic or benign to our knowledge

NM_017433.5(MYO3A):c.1621A>G (p.Lys541Glu)

Gene: MYO3A (myosin IIIA; plus strand). Cytogenetic location: 10p12.1.
Variant type: single nucleotide variant.
Coding change: c.1621A>G on transcript NM_017433.5 (MANE Select); coding-DNA position 1621, A replaced by G.
Protein change: p.Lys541Glu; replaces lysine 541 with glutamic acid.
Molecular consequence: missense variant.
Genome position (GRCh38, 1-based): chr10:26,096,439, A>G. VCF-style: chr10-26096439-A-G. GRCh37 (hg19) VCF-style: chr10-26385368-A-G.
Other names: short protein forms K541E.
Identifiers: ClinVar variation 2662012 (VCV002662012.1), dbSNP rs759209098, ClinGen allele CA5444723.